The following is an entry in ClinVar:

NM_153252.5(BRWD3):c.5273T>C (p.Leu1758Ser)

Gene: BRWD3 (bromodomain and WD repeat domain containing 3; minus strand). Cytogenetic location: Xq21.1.
Variant type: single nucleotide variant.
Coding change: c.5273T>C on transcript NM_153252.5 (MANE Select); coding-DNA position 5273, T replaced by C.
Protein change: p.Leu1758Ser; replaces leucine 1758 with serine.
Molecular consequence: missense variant.
Genome position (GRCh38, 1-based): chrX:80,676,745, A>G on the plus strand (T>C on the coding strand, the complement: BRWD3 is on the minus strand). VCF-style: chrX-80676745-A-G. GRCh37 (hg19) VCF-style: chrX-79932244-A-G.
Other names: c.5273T>C (NM_153252.4); short protein forms L1758S.
Identifiers: ClinVar variation 1299199 (VCV001299199.36), dbSNP rs2147666747, ClinGen allele CA413746212.

ClinVar aggregate classification (germline): Uncertain significance. Review status: criteria provided, multiple submitters, no conflicts (2 of 4 stars). 2 submissions from 2 submitters: Uncertain significance (2). Last evaluated 2023-03-17.

gnomAD v4.1: 7 of 1,211,294 alleles (0.00058%); highest among the groups gnomAD compares: Non-Finnish European, 0.00078%; no homozygotes.

Submissions (2):

GeneDx
Classification: Uncertain significance. Last evaluated: 2023-03-17. Review status: criteria provided, single submitter. Criteria: GeneDx Variant Classification Process June 2021. Collection method: clinical testing. Allele origin: germline. Affected: yes.
Comment: Not observed at significant frequency in large population cohorts (gnomAD); In silico analysis supports that this missense variant does not alter protein structure/function; Has not been previously published as pathogenic or benign to our knowledge

CeGaT Center for Human Genetics Tuebingen
Classification: Uncertain significance. Last evaluated: 2021-09-01. Review status: criteria provided, single submitter. Criteria: CeGaT Center For Human Genetics Tuebingen Variant Classification Criteria Version 2. Collection method: clinical testing. Allele origin: germline. Affected: yes. Observed: 1 variant allele.